The following is an entry in ClinVar:

NM_001378328.1(CELSR1):c.1869C>T (p.Ala623=)

Gene: CELSR1 (cadherin EGF LAG seven-pass G-type receptor 1; minus strand). Cytogenetic location: 22q13.31.
Variant type: single nucleotide variant.
Coding change: c.1869C>T on transcript NM_001378328.1 (MANE Select); coding-DNA position 1869, C replaced by T.
Protein change: p.Ala623=; no amino-acid change (alanine 623 retained).
Molecular consequence: synonymous variant.
Genome position (GRCh38, 1-based): chr22:46,535,302, G>A on the plus strand (C>T on the coding strand, the complement: CELSR1 is on the minus strand). VCF-style: chr22-46535302-G-A. GRCh37 (hg19) VCF-style: chr22-46931199-G-A.
Other names: c.1869C>T, p.Ala623= (NM_014246.4).
Identifiers: ClinVar variation 4281457 (VCV004281457.7).

ClinVar aggregate classification (germline): Likely benign (1 of 4 stars; one submission).

gnomAD v4.1: 2 of 1,611,570 alleles (0.00012%); highest among the groups gnomAD compares: Non-Finnish European, 0.00017%; no homozygotes.

Submission:

CeGaT Center for Human Genetics Tuebingen
Classification: Likely benign. Last evaluated: 2025-09-01. Review status: criteria provided, single submitter. Criteria: CeGaT Center For Human Genetics Tuebingen Variant Classification Criteria Version 2. Collection method: clinical testing. Allele origin: germline. Affected: yes. Observed: 1 variant allele.
Comment: CELSR1: BP4, BP7